The following is an entry in ClinVar:

NM_000059.4(BRCA2):c.1846T>A (p.Cys616Ser)

Gene: BRCA2 (BRCA2 DNA repair associated; plus strand). Cytogenetic location: 13q13.1.
Variant type: single nucleotide variant.
Coding change: c.1846T>A on transcript NM_000059.4 (MANE Select); coding-DNA position 1846, T replaced by A.
Protein change: p.Cys616Ser; replaces cysteine 616 with serine.
Molecular consequence: missense variant.
Genome position (GRCh38, 1-based): chr13:32,333,324, T>A. VCF-style: chr13-32333324-T-A. GRCh37 (hg19) VCF-style: chr13-32907461-T-A.
Other names: c.1846T>A (NM_000059.3); short protein forms C616S.
Identifiers: ClinVar variation 1064316 (VCV001064316.14), dbSNP rs2137475583, ClinGen allele CA387766337.

ClinVar aggregate classification (germline): Conflicting classifications of pathogenicity. Review status: criteria provided, conflicting classifications (1 of 4 stars). 4 submissions from 4 submitters: Uncertain significance (2); Likely benign (2). Last evaluated 2025-09-26.

Conditions:
Hereditary cancer-predisposing syndrome. Also called: Tumor predisposition; Neoplastic Syndromes, Hereditary; Hereditary Cancer Syndrome; Hereditary neoplastic syndrome. Identifiers: Orphanet 140162, MedGen C0027672, MeSH D009386, MONDO:0015356.
Breast-ovarian cancer, familial, susceptibility to, 2 (BROVCA2). Also called: BRCA2 Hereditary Breast and Ovarian Cancer. Identifiers: Orphanet 145, MedGen C2675520, MONDO:0012933, OMIM 612555. Disease mechanism: loss of function.
Hereditary breast ovarian cancer syndrome. Also called: Hereditary breast and ovarian cancer; Breast and ovarian cancer; BRCA1- and BRCA2-Associated Hereditary Breast and Ovarian Cancer; Hereditary breast and ovarian cancer syndrome; Hereditary breast and ovarian cancer syndrome (HBOC); Hereditary breast and/or ovarian cancer syndrome. Identifiers: Orphanet 145, MedGen C0677776, MeSH D061325, MONDO:0003582. Disease mechanism: loss of function.

Allele frequency attached by ClinVar (database versions not stated): gnomAD exomes below 0.00001.
gnomAD v4.1: 1 of 1,605,640 alleles (0.000062%); highest among the groups gnomAD compares: Non-Finnish European, 0.000085%; no homozygotes.

Submissions (4):

Ambry Genetics
Classification: Likely benign for Hereditary cancer-predisposing syndrome. Last evaluated: 2025-09-26. Review status: criteria provided, single submitter. Criteria: Ambry Variant Classification Scheme 2023. Collection method: clinical testing. Allele origin: germline.

All of Us Research Program, National Institutes of Health
Classification: Uncertain significance for Breast-ovarian cancer, familial, susceptibility to, 2. Last evaluated: 2023-11-30. Review status: criteria provided, single submitter. Criteria: ACMG Guidelines, 2015. Collection method: clinical testing. Allele origin: germline. Inheritance: Autosomal dominant inheritance. Observed: 1 variant allele, 1 heterozygote.
Comment: This study involves interpretation of variants in research participants for the purpose of population health screening. Participant phenotype was not available at the time of variant classification. Additional details can be found in publication PMID: 35346344, PMCID: PMC8962531

University of Washington Department of Laboratory Medicine, University of Washington
Classification: Likely benign for Hereditary cancer-predisposing syndrome. Last evaluated: 2023-03-23. Review status: criteria provided, single submitter. Criteria: Dines et al. (Genet Med. 2020). Collection method: curation. Allele origin: germline.
Comment: Missense variant in a coldspot region where missense variants are very unlikely to be pathogenic (PMID:31911673).

BRCA2 exon 10 coldspot. Reclassification based on statistical prior probability.

Labcorp Genetics (formerly Invitae), Labcorp
Classification: Uncertain significance for Hereditary breast ovarian cancer syndrome. Last evaluated: 2022-03-14. Review status: criteria provided, single submitter. Criteria: Invitae Variant Classification Sherloc (09022015). Collection method: clinical testing. Allele origin: germline.
Comment: Advanced modeling of protein sequence and biophysical properties (such as structural, functional, and spatial information, amino acid conservation, physicochemical variation, residue mobility, and thermodynamic stability) performed at Invitae indicates that this missense variant is not expected to disrupt BRCA2 protein function. This variant has not been reported in the literature in individuals affected with BRCA2-related conditions. This variant is not present in population databases (gnomAD no frequency). This sequence change replaces cysteine, which is neutral and slightly polar, with serine, which is neutral and polar, at codon 616 of the BRCA2 protein (p.Cys616Ser). ClinVar contains an entry for this variant (Variation ID: 1064316). In summary, the available evidence is currently insufficient to determine the role of this variant in disease. Therefore, it has been classified as a Variant of Uncertain Significance.